The following is an entry in ClinVar:

ClinVar aggregate classification (germline): Uncertain significance (1 of 4 stars; one submission).

Conditions:
Hereditary cancer-predisposing syndrome. Also called: Hereditary Cancer Syndrome; Hereditary neoplastic syndrome; Tumor predisposition; Neoplastic Syndromes, Hereditary. Identifiers: Orphanet 140162, MedGen C0027672, MeSH D009386, MONDO:0015356.

Allele frequency attached by ClinVar (database versions not stated): gnomAD exomes below 0.00001.
gnomAD v4.1: 2 of 1,613,946 alleles (0.00012%); highest among the groups gnomAD compares: Non-Finnish European, 0.00017%; no homozygotes.

Submission:

Ambry Genetics
Classification: Uncertain significance for Hereditary cancer-predisposing syndrome. Last evaluated: 2022-07-02. Review status: criteria provided, single submitter. Criteria: Ambry Variant Classification Scheme 2023. Collection method: clinical testing. Allele origin: germline.
Comment: The p.V78E variant (also known as c.233T>A), located in coding exon 1 of the HOXB13 gene, results from a T to A substitution at nucleotide position 233. The valine at codon 78 is replaced by glutamic acid, an amino acid with dissimilar properties. This amino acid position is conserved. In addition, the in silico prediction for this alteration is inconclusive. Since supporting evidence is limited at this time, the clinical significance of this alteration remains unclear.

NM_006361.6(HOXB13):c.233T>A (p.Val78Glu)

Gene: HOXB13 (homeobox B13; minus strand). Cytogenetic location: 17q21.32.
Variant type: single nucleotide variant.
Coding change: c.233T>A on transcript NM_006361.6 (MANE Select); coding-DNA position 233, T replaced by A.
Protein change: p.Val78Glu; replaces valine 78 with glutamic acid.
Molecular consequence: missense variant.
Genome position (GRCh38, 1-based): chr17:48,728,361, A>T on the plus strand (T>A on the coding strand, the complement: HOXB13 is on the minus strand). VCF-style: chr17-48728361-A-T. GRCh37 (hg19) VCF-style: chr17-46805723-A-T.
Other names: short protein forms V78E.
Identifiers: ClinVar variation 1789842 (VCV001789842.2), dbSNP rs2509515658, ClinGen allele CA400107873.